The following is an entry in ClinVar:

NM_206933.4(USH2A):c.15440_15443dup (p.Met5149fs)

Gene: USH2A (usherin; minus strand). Cytogenetic location: 1q41.
Variant type: Duplication.
Coding change: c.15440_15443dup on transcript NM_206933.4 (MANE Select); coding-DNA positions 15440 to 15443, 4 bases duplicated (AGCT; older notation c.15440_15443dupAGCT).
Protein change: p.Met5149fs; shifts the reading frame from methionine 5149.
Molecular consequence: frameshift variant.
Genome position (GRCh38, 1-based): chr1:215,628,890-215,628,893, AGCT duplicated on the plus strand (AGCT on the coding strand, the reverse complement: USH2A is on the minus strand). VCF-style (leftmost placement, unchanged base first): chr1-215628889-G-GAGCT. GRCh37 (hg19) VCF-style: chr1-215802231-G-GAGCT.
Other names: short protein forms M5149fs.
Identifiers: ClinVar variation 2155689 (VCV002155689.4), dbSNP rs2464752483, ClinGen allele CA2580062031.
Genomic context (GRCh38, chr1:215,628,889, plus strand): 5'-GCCCATGATGGCTTCCCACAGTGAGTTGTCCATCAAGACTTTCTTGTCTTGAATGTCCAT[G>GAGCT]AGCTGGCTGACGCTGCGGTGAAGAGAACCCTGGGAGTAGGTTAGGCTGGTTTGGTTTTGA-3'

ClinVar aggregate classification (germline): Pathogenic (1 of 4 stars; one submission).

Submission:

Labcorp Genetics (formerly Invitae), Labcorp
Classification: Pathogenic. Last evaluated: 2022-11-02. Review status: criteria provided, single submitter. Criteria: Invitae Variant Classification Sherloc (09022015). Collection method: clinical testing. Allele origin: germline.
Comment: For these reasons, this variant has been classified as Pathogenic. This variant disrupts a region of the USH2A protein in which other variant(s) (p.Ile5166Val) have been determined to be pathogenic (PMID: 26969326, 27460420, 32531858). This suggests that this is a clinically significant region of the protein, and that variants that disrupt it are likely to be disease-causing. This variant has not been reported in the literature in individuals affected with USH2A-related conditions. This variant is not present in population databases (gnomAD no frequency). This sequence change creates a premature translational stop signal (p.Met5149Alafs*30) in the USH2A gene. While this is not anticipated to result in nonsense mediated decay, it is expected to disrupt the last 54 amino acid(s) of the USH2A protein.

Literature cited by the submitters: PubMed 26969326; PubMed 27460420; PubMed 32531858.